The following is an entry in ClinVar:

ClinVar aggregate classification (germline): Uncertain significance (1 of 4 stars; one submission).

Conditions:
Inborn genetic diseases. Identifiers: MedGen C0950123, MeSH D030342.

Submission:

Ambry Genetics
Classification: Uncertain significance for Inborn genetic diseases. Last evaluated: 2025-03-05. Review status: criteria provided, single submitter. Criteria: Ambry Variant Classification Scheme 2023. Collection method: clinical testing. Allele origin: germline.
Comment: The p.L50R variant (also known as c.149T>G), located in coding exon 1 of the FANCM gene, results from a T to G substitution at nucleotide position 149. The leucine at codon 50 is replaced by arginine, an amino acid with dissimilar properties. This amino acid position is conserved. In addition, this alteration is predicted to be tolerated by in silico analysis. Based on the available evidence, the clinical significance of this variant remains unclear.

NM_020937.4(FANCM):c.149T>G (p.Leu50Arg)

Gene: FANCM (FA complementation group M; plus strand). Cytogenetic location: 14q21.2.
Variant type: single nucleotide variant.
Coding change: c.149T>G on transcript NM_020937.4 (MANE Select); coding-DNA position 149, T replaced by G.
Protein change: p.Leu50Arg; replaces leucine 50 with arginine.
Molecular consequence: missense variant.
Genome position (GRCh38, 1-based): chr14:45,136,180, T>G. VCF-style: chr14-45136180-T-G. GRCh37 (hg19) VCF-style: chr14-45605383-T-G.
Other names: c.149T>G, p.Leu50Arg (NM_001308133.2, NM_001308134.2); short protein forms L50R.
Identifiers: ClinVar variation 3848789 (VCV003848789.1).